The following is an entry in ClinVar:

NM_002476.2(MYL4):c.581T>C (p.Ile194Thr)

Gene: MYL4 (myosin light chain 4; plus strand). Cytogenetic location: 17q21.32.
Variant type: single nucleotide variant.
Coding change: c.581T>C on transcript NM_002476.2 (MANE Select); coding-DNA position 581, T replaced by C.
Protein change: p.Ile194Thr; replaces isoleucine 194 with threonine.
Molecular consequence: missense variant.
Genome position (GRCh38, 1-based): chr17:47,223,029, T>C. VCF-style: chr17-47223029-T-C. GRCh37 (hg19) VCF-style: chr17-45300395-T-C.
Other names: c.581T>C, p.Ile194Thr (NM_001002841.2); short protein forms I194T.
Identifiers: ClinVar variation 1433563 (VCV001433563.6), dbSNP rs1033872857, ClinGen allele CA291226087.

ClinVar aggregate classification (germline): Uncertain significance (1 of 4 stars; one submission).

Conditions:
Atrial fibrillation, familial, 18 (ATFB18). Identifiers: MedGen C4310636, MONDO:0015001, OMIM 617280.

Allele frequency attached by ClinVar (database versions not stated): gnomAD exomes below 0.00001; gnomAD 0.00001; TOPMed 0.00001.
gnomAD v4.1: 3 of 1,613,820 alleles (0.00019%); highest among the groups gnomAD compares: Admixed American, 0.0033%; no homozygotes.

Submission:

Labcorp Genetics (formerly Invitae), Labcorp
Classification: Uncertain significance for Atrial fibrillation, familial, 18. Last evaluated: 2025-12-06. Review status: criteria provided, single submitter. Criteria: Invitae Variant Classification Sherloc (09022015). Collection method: clinical testing. Allele origin: germline.
Comment: This sequence change replaces isoleucine, which is neutral and non-polar, with threonine, which is neutral and polar, at codon 194 of the MYL4 protein (p.Ile194Thr). This variant is present in population databases (no rsID available, gnomAD 0.003%). This variant has not been reported in the literature in individuals affected with MYL4-related conditions. ClinVar contains an entry for this variant (Variation ID: 1433563). An algorithm developed to predict the effect of missense changes on protein structure and function (PolyPhen-2) suggests that this variant is likely to be disruptive. In summary, the available evidence is currently insufficient to determine the role of this variant in disease. Therefore, it has been classified as a Variant of Uncertain Significance.